The following is an entry in ClinVar:

ClinVar aggregate classification (germline): Uncertain significance (1 of 4 stars; one submission).

gnomAD v4.1: 8 of 1,613,866 alleles (0.0005%); highest among the groups gnomAD compares: South Asian, 0.0066%; no homozygotes.

Submission:

Mayo Clinic Laboratories, Mayo Clinic
Classification: Uncertain significance. Last evaluated: 2025-12-15. Review status: criteria provided, single submitter. Criteria: ACMG Guidelines, 2015. Collection method: clinical testing. Allele origin: germline. Observed: 1 variant allele.
Comment: BP4

NM_014140.4(SMARCAL1):c.1711G>A (p.Val571Ile)

Gene: SMARCAL1 (SNF2 related chromatin remodeling annealing helicase 1; plus strand). Cytogenetic location: 2q35.
Variant type: single nucleotide variant.
Coding change: c.1711G>A on transcript NM_014140.4 (MANE Select); coding-DNA position 1711, G replaced by A.
Protein change: p.Val571Ile; replaces valine 571 with isoleucine.
Molecular consequence: missense variant.
Genome position (GRCh38, 1-based): chr2:216,447,018, G>A. VCF-style: chr2-216447018-G-A. GRCh37 (hg19) VCF-style: chr2-217311741-G-A.
Other names: p.Val571Ile; c.1711G>A, p.Val571Ile (NM_001127207.2); short protein forms V571I.
Identifiers: ClinVar variation 4540799 (VCV004540799.1).
Genomic context (GRCh38, chr2:216,447,018, plus strand): 5'-TGAACATTTCCTGTGTGCTCCTCCCTGTGTTCAGAGCACCTTTGGCTGTTTGTCTTTTAG[G>A]TTGCCAAGAGGGTGATCCTGTTGTCGGGCACACCAGCCATGTCCCGGCCCGCAGAGCTCT-3'
Protein context (NP_054859.2, residues 561-581): RCRAAMPVLK[Val571Ile]AKRVILLSGT